The following is an entry in ClinVar:

NC_000012.11:g.(?_122983354)_(122985387_?)dup

Gene: ZCCHC8 (zinc finger CCHC-type containing 8; minus strand). Cytogenetic location: 12q24.31.
Variant type: Duplication.
Identifiers: ClinVar variation 1017307 (VCV001017307.6).

ClinVar aggregate classification (germline): Uncertain significance (1 of 4 stars; one submission).

Submission:

Labcorp Genetics (formerly Invitae), Labcorp
Classification: Uncertain significance. Last evaluated: 2024-01-25. Review status: criteria provided, single submitter. Criteria: Invitae Variant Classification Sherloc (09022015). Collection method: clinical testing. Allele origin: germline.
Comment: This variant results in a copy number gain of the genomic region encompassing exon(s) 1-2 of the ZCCHC8 gene. This region includes the initiator codon of the gene. This copy number gain extends beyond the assayed region for this gene and therefore may encompass additional genes. As the precise location of this event is unknown, it may be in tandem or it may be located elsewhere in the genome. This variant has not been reported in the literature in individuals affected with ZCCHC8-related conditions. Experimental studies and prediction algorithms are not available or were not evaluated, and the functional significance of this variant is currently unknown. In summary, the available evidence is currently insufficient to determine the role of this variant in disease. Therefore, it has been classified as a Variant of Uncertain Significance.